The following is an entry in ClinVar:

ClinVar aggregate classification (germline): Uncertain significance (1 of 4 stars; one submission).

Conditions:
Epileptic encephalopathy. Identifiers: MedGen C0543888, HP:0200134.

Allele frequency attached by ClinVar (database versions not stated): gnomAD exomes below 0.00001.
gnomAD v4.1: 1 of 1,554,590 alleles (0.000064%); highest among the groups gnomAD compares: Non-Finnish European, 0.000087%; no homozygotes.

Submission:

Labcorp Genetics (formerly Invitae), Labcorp
Classification: Uncertain significance for Epileptic encephalopathy. Last evaluated: 2024-05-29. Review status: criteria provided, single submitter. Criteria: Invitae Variant Classification Sherloc (09022015). Collection method: clinical testing. Allele origin: germline.
Comment: This sequence change falls in intron 13 of the GABBR2 gene. It does not directly change the encoded amino acid sequence of the GABBR2 protein. It affects a nucleotide within the consensus splice site. This variant is not present in population databases (gnomAD no frequency). This variant has not been reported in the literature in individuals affected with GABBR2-related conditions. Variants that disrupt the consensus splice site are a relatively common cause of aberrant splicing (PMID: 17576681, 9536098). Algorithms developed to predict the effect of sequence changes on RNA splicing suggest that this variant is not likely to affect RNA splicing. In summary, the available evidence is currently insufficient to determine the role of this variant in disease. Therefore, it has been classified as a Variant of Uncertain Significance.

Literature cited by the submitters: PubMed 17576681; PubMed 9536098.

NM_005458.8(GABBR2):c.1893+3A>G

Gene: GABBR2 (gamma-aminobutyric acid type B receptor subunit 2; minus strand). Cytogenetic location: 9q22.33.
Variant type: single nucleotide variant.
Coding change: c.1893+3A>G on transcript NM_005458.8 (MANE Select); 3 bases into the intron after coding-DNA position 1893, A replaced by G.
Molecular consequence: intron variant.
Genome position (GRCh38, 1-based): chr9:98,362,712, T>C on the plus strand (A>G on the coding strand, the complement: GABBR2 is on the minus strand). VCF-style: chr9-98362712-T-C. GRCh37 (hg19) VCF-style: chr9-101124994-T-C.
Identifiers: ClinVar variation 2712242 (VCV002712242.3), dbSNP rs2491358848, ClinGen allele CA2690934742.